The following is an entry in ClinVar:

NM_006904.7(PRKDC):c.8744G>C (p.Arg2915Pro)

Genes: PRKDC (protein kinase, DNA-activated, catalytic subunit; minus strand), LOC121740717 (Sharpr-MPRA regulatory region 7649; plus strand). Cytogenetic location: 8q11.21.
Variant type: single nucleotide variant.
Coding change: c.8744G>C on transcript NM_006904.7 (MANE Select); coding-DNA position 8744, G replaced by C.
Protein change: p.Arg2915Pro; replaces arginine 2915 with proline.
Molecular consequence: missense variant.
Genome position (GRCh38, 1-based): chr8:47,826,695, C>G on the plus strand (G>C on the coding strand, the complement: PRKDC is on the minus strand). VCF-style: chr8-47826695-C-G. GRCh37 (hg19) VCF-style: chr8-48739256-C-G.
Other names: c.8744G>C, p.Arg2915Pro (NM_001081640.2); short protein forms R2915P.
Identifiers: ClinVar variation 2201652 (VCV002201652.1), dbSNP rs370540517, ClinGen allele CA371143555.
Genomic context (GRCh38, chr8:47,826,695, plus strand): 5'-AGCACCTGACCTCACACTTACTTAGCAAGCTCCACCCATCTGAGGACATCAGGAGGGAGG[C>G]GGGCCTTCCCACGGACTCGCTTGGCAGGCAGCTCAGCAGGCAGCAGGCGGAGCAGAGCCT-3'
Protein context (NP_008835.5, residues 2905-2925): LPAKRVRGKA[Arg2915Pro]LPPDVLRWVE

ClinVar aggregate classification (germline): Uncertain significance (1 of 4 stars; one submission).

Conditions:
Severe combined immunodeficiency due to DNA-PKcs deficiency. Also called: IMMUNODEFICIENCY 26 WITH NEUROLOGIC ABNORMALITIES; Immunodeficiency 26 with or without neurologic abnormalities. Identifiers: Orphanet 317425, MedGen C4014833, MONDO:0014423, OMIM 615966.

gnomAD v4.1: 7 of 1,613,080 alleles (0.00043%); highest among the groups gnomAD compares: Middle Eastern, 0.019%; no homozygotes.

Submission:

Labcorp Genetics (formerly Invitae), Labcorp
Classification: Uncertain significance for Severe combined immunodeficiency due to DNA-PKcs deficiency. Last evaluated: 2022-04-10. Review status: criteria provided, single submitter. Criteria: Invitae Variant Classification Sherloc (09022015). Collection method: clinical testing. Allele origin: germline.
Comment: This sequence change replaces arginine, which is basic and polar, with proline, which is neutral and non-polar, at codon 2915 of the PRKDC protein (p.Arg2915Pro). This variant is not present in population databases (gnomAD no frequency). This variant has not been reported in the literature in individuals affected with PRKDC-related conditions. Experimental studies and prediction algorithms are not available or were not evaluated, and the functional significance of this variant is currently unknown. In summary, the available evidence is currently insufficient to determine the role of this variant in disease. Therefore, it has been classified as a Variant of Uncertain Significance.